The following is an entry in ClinVar:

NM_001197104.2(KMT2A):c.6890C>T (p.Ser2297Leu)

Gene: KMT2A (lysine methyltransferase 2A; plus strand). Cytogenetic location: 11q23.3.
Variant type: single nucleotide variant.
Coding change: c.6890C>T on transcript NM_001197104.2 (MANE Select); coding-DNA position 6890, C replaced by T.
Protein change: p.Ser2297Leu; replaces serine 2297 with leucine.
Molecular consequence: missense variant.
Genome position (GRCh38, 1-based): chr11:118,502,782, C>T. VCF-style: chr11-118502782-C-T. GRCh37 (hg19) VCF-style: chr11-118373497-C-T.
Other names: c.6980C>T, p.Ser2327Leu (NM_001412597.1); c.6881C>T, p.Ser2294Leu (NM_005933.4); short protein forms S2294L, S2297L, S2327L.
Identifiers: ClinVar variation 2442508 (VCV002442508.1), dbSNP rs2496992127, ClinGen allele CA382803392.

ClinVar aggregate classification (germline): Uncertain significance (1 of 4 stars; one submission).

Allele frequency attached by ClinVar (database versions not stated): gnomAD exomes below 0.00001.
gnomAD v4.1: 1 of 1,614,194 alleles (0.000062%); highest among the groups gnomAD compares: Non-Finnish European, 0.000085%; no homozygotes.

Submission:

GeneDx
Classification: Uncertain significance. Last evaluated: 2022-08-29. Review status: criteria provided, single submitter. Criteria: GeneDx Variant Classification Process June 2021. Collection method: clinical testing. Allele origin: germline. Affected: yes.
Comment: Not observed at significant frequency in large population cohorts (gnomAD); In silico analysis supports that this missense variant does not alter protein structure/function; Has not been previously published as pathogenic or benign to our knowledge